The following is an entry in ClinVar:

NM_017849.4(TMEM127):c.407C>G (p.Thr136Arg)

Gene: TMEM127 (transmembrane protein 127; minus strand). Cytogenetic location: 2q11.2.
Variant type: single nucleotide variant.
Coding change: c.407C>G on transcript NM_017849.4 (MANE Select); coding-DNA position 407, C replaced by G.
Protein change: p.Thr136Arg; replaces threonine 136 with arginine.
Molecular consequence: missense variant.
Genome position (GRCh38, 1-based): chr2:96,254,835, G>C on the plus strand (C>G on the coding strand, the complement: TMEM127 is on the minus strand). VCF-style: chr2-96254835-G-C. GRCh37 (hg19) VCF-style: chr2-96920573-G-C.
Other names: c.407C>G, p.Thr136Arg (NM_001193304.3); c.155C>G, p.Thr52Arg (NM_001407282.1, NM_001407283.1); short protein forms T136R, T52R.
Identifiers: ClinVar variation 4533119 (VCV004533119.2).

ClinVar aggregate classification (germline): Uncertain significance. Review status: criteria provided, multiple submitters, no conflicts (2 of 4 stars). 2 submissions from 2 submitters: Uncertain significance (2). Last evaluated 2025-02-17.

Conditions:
Hereditary pheochromocytoma and paraganglioma. Also called: Hereditary Paraganglioma-Pheochromocytoma Syndromes; Hereditary paragangliomas and pheochromocytomas; Hereditary pheochromocytoma-paraganglioma. Identifiers: Orphanet 29072, MedGen C4274332, MONDO:0017366.

gnomAD v4.1: 1 of 1,614,076 alleles (0.000062%); highest among the groups gnomAD compares: South Asian, 0.0011%; no homozygotes.

Submissions (2):

Quest Diagnostics Nichols Institute San Juan Capistrano
Classification: Uncertain significance. Last evaluated: 2025-02-17. Review status: criteria provided, single submitter. Criteria: Quest Diagnostics criteria. Collection method: clinical testing. Allele origin: unknown.
Comment: The TMEM127 c.407C>G (p.Thr136Arg) variant has not been reported in individuals with TMEM127-related conditions in the published literature. It also has not been reported in large, multi-ethnic general populations (Genome Aggregation Database). Analysis of this variant using bioinformatics tools for the prediction of the effect of amino acid changes on protein structure and function yielded predictions that this variant is damaging. Based on the available information, we are unable to determine the clinical significance of this variant.

Labcorp Genetics (formerly Invitae), Labcorp
Classification: Uncertain significance for Hereditary pheochromocytoma and paraganglioma. Last evaluated: 2025-02-12. Review status: criteria provided, single submitter. Criteria: Invitae Variant Classification Sherloc (09022015). Collection method: clinical testing. Allele origin: germline.
Comment: This sequence change replaces threonine, which is neutral and polar, with arginine, which is basic and polar, at codon 136 of the TMEM127 protein (p.Thr136Arg). This variant is not present in population databases (gnomAD no frequency). This variant has not been reported in the literature in individuals affected with TMEM127-related conditions. An algorithm developed to predict the effect of missense changes on protein structure and function (PolyPhen-2) suggests that this variant is likely to be disruptive. In summary, the available evidence is currently insufficient to determine the role of this variant in disease. Therefore, it has been classified as a Variant of Uncertain Significance.

Literature cited by the submitters: PubMed 33606809 (cited by Quest Diagnostics Nichols Institute San Juan Capistrano); PubMed 39256447 (cited by Quest Diagnostics Nichols Institute San Juan Capistrano).